The following is an entry in ClinVar:

ClinVar aggregate classification (germline): Uncertain significance. Review status: criteria provided, single submitter (1 of 4 stars). 2 submissions from 2 submitters: Uncertain significance (1). 1 of the submissions does not count toward it. Last evaluated 2024-02-15.

Conditions:
Hereditary breast ovarian cancer syndrome. Also called: Hereditary breast and ovarian cancer syndrome (HBOC); Breast and ovarian cancer; BRCA1- and BRCA2-Associated Hereditary Breast and Ovarian Cancer; Hereditary breast and/or ovarian cancer syndrome; Hereditary breast and ovarian cancer; Hereditary breast and ovarian cancer syndrome. Identifiers: Orphanet 145, MedGen C0677776, MeSH D061325, MONDO:0003582. Disease mechanism: loss of function.

Submissions (2):

German Consortium for Hereditary Breast and Ovarian Cancer, University Hospital Cologne
Classification: Uncertain significance for Hereditary breast ovarian cancer syndrome. Last evaluated: 2024-02-15. Review status: criteria provided, single submitter. Criteria: ClinGen BRCA1 V1.0.0. Collection method: curation. Allele origin: germline.
Comment: According to the ClinGen ENIGMA BRCA1 v1.0.0 criteria we chose these criteria: PM2 (supporting pathogenic): Not in gnomAD, BS3 (strong benign): Table 9 ENIGMA: Reported by one calibrated study to affect protein function similar to benign control variants (PMID:32546644) (BS3 met).

Research Molecular Genetics Laboratory, Women's College Hospital, University of Toronto
Classification: Uncertain significance. Last evaluated: 2014-01-31. Review status: no assertion criteria provided. Collection method: research. Allele origin: germline. Affected: yes. Study: The Canadian Open Genetics Repository (COGR). Not counted in ClinVar's aggregate classification.

NM_007294.4(BRCA1):c.441G>T (p.Leu147Phe)

Gene: BRCA1 (BRCA1 DNA repair associated; minus strand). Cytogenetic location: 17q21.31.
Variant type: single nucleotide variant.
Coding change: c.441G>T on transcript NM_007294.4 (MANE Select); coding-DNA position 441, G replaced by T.
Protein change: p.Leu147Phe; replaces leucine 147 with phenylalanine.
Molecular consequence: missense variant. On other transcripts: non-coding transcript variant (1).
Genome position (GRCh38, 1-based): chr17:43,104,122, C>A on the plus strand (G>T on the coding strand, the complement: BRCA1 is on the minus strand). VCF-style: chr17-43104122-C-A. GRCh37 (hg19) VCF-style: chr17-41256139-C-A.
Other names: c.441G>T, p.Leu147Phe (NM_001407686.1, NM_001407982.1, NM_001407984.1 and 165 more transcripts); c.231G>T, p.Leu77Phe (NM_001407571.1, NM_001407853.1, NM_001407879.1 and 58 more transcripts); c.432G>T, p.Leu144Phe (NM_001407646.1, NM_001407647.1, NM_001408408.1); c.363G>T, p.Leu121Phe (NM_001407653.1, NM_001407654.1, NM_001407655.1 and 21 more transcripts); c.300G>T, p.Leu100Phe (NM_001407692.1, NM_001407694.1, NM_001407695.1 and 99 more transcripts); c.60G>T, p.Leu20Phe (NM_001407959.1, NM_001407960.1, NM_001407962.1 and 4 more transcripts); c.309G>T, p.Leu103Phe (NM_001408451.1); short protein forms L147F, L100F, L77F, L20F, L103F, L121F, L144F.
Identifiers: ClinVar variation 431199 (VCV000431199.3), dbSNP rs748876625, ClinGen allele CA10601266.